The following is an entry in ClinVar:

ClinVar aggregate classification (germline): Pathogenic (0 of 4 stars; one submission).

Conditions:
Severe myoclonic epilepsy in infancy (DRVT). Also called: SEVERE MYOCLONIC EPILEPSY OF INFANCY; Dravet syndrome; Epileptic encephalopathy, early infantile, 6 (Dravet syndrome); DEVELOPMENTAL AND EPILEPTIC ENCEPHALOPATHY 6A; Severe Myoclonic Epilepsy in Infancy (SMEI). Identifiers: Orphanet 33069, MedGen C0751122, MONDO:0100135, OMIM 607208.

Submission:

Hong-Tao Li Lab, Institute of Brain Science and Brain-inspired Research, Shandong First Medical University & Shandong Academy of Medical Sciences China
Classification: Pathogenic for Severe myoclonic epilepsy in infancy. Review status: no assertion criteria provided. Collection method: research. Allele origin: germline. Inheritance: Autosomal dominant inheritance. Affected: yes. Observed: 1 variant allele, 1 heterozygote.
Comment: Observed in affected individuals from a Pakistani neurodevelopmental-disorder research cohort of 263 individuals. Classification assigned using the ACMG/AMP framework.

NM_001165963.4(SCN1A):c.1010G>A (p.Gly337Glu)

Gene: SCN1A (sodium voltage-gated channel alpha subunit 1; minus strand). Cytogenetic location: 2q24.3.
Variant type: single nucleotide variant.
Coding change: c.1010G>A on transcript NM_001165963.4 (MANE Select); coding-DNA position 1010, G replaced by A.
Protein change: p.Gly337Glu; replaces glycine 337 with glutamic acid.
Molecular consequence: missense variant. On other transcripts: 5 prime UTR variant (1), non-coding transcript variant (1).
Genome position (GRCh38, 1-based): chr2:166,048,904, C>T on the plus strand (G>A on the coding strand, the complement: SCN1A is on the minus strand). VCF-style: chr2-166048904-C-T. GRCh37 (hg19) VCF-style: chr2-166905414-C-T.
Other names: c.1010G>A, p.Gly337Glu (NM_001353949.2, NM_001353950.2, NM_001353951.2 and 10 more transcripts); c.-1416G>A (NM_001353961.2); short protein forms G337E.
Identifiers: ClinVar variation 4884832 (VCV004884832.1).